The following is an entry in ClinVar:

NM_006262.4(PRPH):c.1235A>C (p.His412Pro)

Genes: PRPH (peripherin; plus strand), TROAP-AS1 (TROAP and PRPH antisense RNA 1; minus strand), LOC124629354 (Sharpr-MPRA regulatory region 11953; plus strand). Cytogenetic location: 12q13.12.
Variant type: single nucleotide variant.
Coding change: c.1235A>C on transcript NM_006262.4 (MANE Select); coding-DNA position 1235, A replaced by C.
Protein change: p.His412Pro; replaces histidine 412 with proline.
Molecular consequence: missense variant. On other transcripts: non-coding transcript variant (1).
Genome position (GRCh38, 1-based): chr12:49,297,694, A>C. VCF-style: chr12-49297694-A-C. GRCh37 (hg19) VCF-style: chr12-49691477-A-C.
Other names: short protein forms H412P.
Identifiers: ClinVar variation 1801688 (VCV001801688.1), dbSNP rs760653849, ClinGen allele CA6551095.

ClinVar aggregate classification (germline): Uncertain significance (1 of 4 stars; one submission).

Conditions:
Amyotrophic lateral sclerosis type 10 (ALS10). Also called: TARDBP-Related Amyotrophic Lateral Sclerosis-Frontotemporal Dementia; AMYOTROPHIC LATERAL SCLEROSIS 10 WITHOUT FRONTOTEMPORAL DEMENTIA AND WITH TDP43 INCLUSIONS; AMYOTROPHIC LATERAL SCLEROSIS 10 WITH OR WITHOUT FRONTOTEMPORAL DEMENTIA AND WITH TDP43 INCLUSIONS; AMYOTROPHIC LATERAL SCLEROSIS 10 WITH OR WITHOUT FRONTOTEMPORAL DEMENTIA; Amyotrophic lateral sclerosis 10, with or without FTD. Identifiers: Orphanet 275872, Orphanet 803, MedGen C2677565, MONDO:0012790, OMIM 612069.

Allele frequency attached by ClinVar (database versions not stated): ExAC 0.00001.
gnomAD v4.1: 2 of 1,613,700 alleles (0.00012%); highest among the groups gnomAD compares: East Asian, 0.0045%; no homozygotes.

Submission:

Human Genetics Bochum, Ruhr University Bochum
Classification: Uncertain significance for Amyotrophic lateral sclerosis type 10. Last evaluated: 2022-08-05. Review status: criteria provided, single submitter. Criteria: ACMG Guidelines, 2015. Collection method: clinical testing. Allele origin: germline. Affected: yes.
Comment: ACMG criteria used to clasify this variant: PM2, BP4